The following is an entry in ClinVar:

NM_145290.4(ADGRA3):c.2092G>C (p.Asp698His)

Gene: ADGRA3 (adhesion G protein-coupled receptor A3; minus strand). Cytogenetic location: 4p15.2.
Variant type: single nucleotide variant.
Coding change: c.2092G>C on transcript NM_145290.4 (MANE Select); coding-DNA position 2092, G replaced by C.
Protein change: p.Asp698His; replaces aspartic acid 698 with histidine.
Molecular consequence: missense variant.
Genome position (GRCh38, 1-based): chr4:22,413,322, C>G on the plus strand (G>C on the coding strand, the complement: ADGRA3 is on the minus strand). VCF-style: chr4-22413322-C-G. GRCh37 (hg19) VCF-style: chr4-22414945-C-G.
Other names: short protein forms D698H.
Identifiers: ClinVar variation 938317 (VCV000938317.9), dbSNP rs1715291846, ClinGen allele CA356479714.

ClinVar aggregate classification (germline): Uncertain significance (1 of 4 stars; one submission).

Submission:

Labcorp Genetics (formerly Invitae), Labcorp
Classification: Uncertain significance. Last evaluated: 2019-09-27. Review status: criteria provided, single submitter. Criteria: Invitae Variant Classification Sherloc (09022015). Collection method: clinical testing. Allele origin: germline.
Comment: In summary, the available evidence is currently insufficient to determine the role of this variant in disease. Therefore, it has been classified as a Variant of Uncertain Significance. Algorithms developed to predict the effect of missense changes on protein structure and function (SIFT, PolyPhen-2, Align-GVGD) all suggest that this variant is likely to be tolerated, but these predictions have not been confirmed by published functional studies and their clinical significance is uncertain. This variant has not been reported in the literature in individuals with ADGRA3-related conditions. This variant is not present in population databases (ExAC no frequency). This sequence change replaces aspartic acid with histidine at codon 698 of the ADGRA3 protein (p.Asp698His). The aspartic acid residue is highly conserved and there is a moderate physicochemical difference between aspartic acid and histidine.